The following is an entry in ClinVar:

NM_001099289.3(SH3RF3):c.1888A>C (p.Thr630Pro)

Genes: RANBP2 (RAN binding protein 2; plus strand), SH3RF3 (SH3 domain containing ring finger 3; plus strand). Cytogenetic location: 2q13.
Variant type: single nucleotide variant.
Coding change: c.1888A>C on transcript NM_001099289.3 (MANE Select); coding-DNA position 1888, A replaced by C.
Protein change: p.Thr630Pro; replaces threonine 630 with proline.
Molecular consequence: missense variant.
Genome position (GRCh38, 1-based): chr2:109,449,229, A>C. VCF-style: chr2-109449229-A-C. GRCh37 (hg19) VCF-style: chr2-110065685-A-C.
Other names: short protein forms T630P.
Identifiers: ClinVar variation 3953833 (VCV003953833.1).

ClinVar aggregate classification (germline): Uncertain significance (1 of 4 stars; one submission).

gnomAD v4.1: 45 of 1,612,718 alleles (0.0028%); highest among the groups gnomAD compares: Non-Finnish European, 0.0037%; no homozygotes.

Submission:

Ambry Genetics
Classification: Uncertain significance. Last evaluated: 2025-03-24. Review status: criteria provided, single submitter. Criteria: Ambry Variant Classification Scheme 2023. Collection method: clinical testing. Allele origin: germline.
Comment: The c.1888A>C (p.T630P) alteration is located in exon (coding exon ) of the SH3RF3 gene. This alteration results from a A to C substitution at nucleotide position 1888, causing the threonine (T) at amino acid position 630 to be replaced by a proline (P). Based on insufficient or conflicting evidence, the clinical significance of this alteration remains unclear.